The following is an entry in ClinVar:

ClinVar aggregate classification (germline): Uncertain significance (1 of 4 stars; one submission).

Conditions:
Familial cancer of breast. Also called: Hereditary breast cancer; BREAST CANCER, FAMILIAL; hereditary breast carcinoma. Identifiers: Orphanet 227535, MedGen C0346153, MONDO:0016419, OMIM 114480. Disease mechanism: loss of function.

Submission:

Labcorp Genetics (formerly Invitae), Labcorp
Classification: Uncertain significance for Familial cancer of breast. Last evaluated: 2020-08-24. Review status: criteria provided, single submitter. Criteria: Invitae Variant Classification Sherloc (09022015). Collection method: clinical testing. Allele origin: germline.
Comment: In summary, the available evidence is currently insufficient to determine the role of this variant in disease. Therefore, it has been classified as a Variant of Uncertain Significance. Algorithms developed to predict the effect of missense changes on protein structure and function output the following: SIFT: "Deleterious"; PolyPhen-2: "Benign"; Align-GVGD: "Class C0". The arginine amino acid residue is found in multiple mammalian species, suggesting that this missense change does not adversely affect protein function. These predictions have not been confirmed by published functional studies and their clinical significance is uncertain. This variant has not been reported in the literature in individuals with PALB2-related conditions. This variant is not present in population databases (ExAC no frequency). This sequence change replaces glutamine with arginine at codon 66 of the PALB2 protein (p.Gln66Arg). The glutamine residue is highly conserved and there is a small physicochemical difference between glutamine and arginine.

NM_024675.4(PALB2):c.197A>G (p.Gln66Arg)

Gene: PALB2 (partner and localizer of BRCA2; minus strand). Cytogenetic location: 16p12.2.
Variant type: single nucleotide variant.
Coding change: c.197A>G on transcript NM_024675.4 (MANE Select); coding-DNA position 197, A replaced by G.
Protein change: p.Gln66Arg; replaces glutamine 66 with arginine.
Molecular consequence: missense variant.
Genome position (GRCh38, 1-based): chr16:23,637,864, T>C on the plus strand (A>G on the coding strand, the complement: PALB2 is on the minus strand). VCF-style: chr16-23637864-T-C. GRCh37 (hg19) VCF-style: chr16-23649185-T-C.
Other names: short protein forms Q66R.
Identifiers: ClinVar variation 1020048 (VCV001020048.9), dbSNP rs1967099408, ClinGen allele CA395139035.
Genomic context (GRCh38, chr16:23,637,864, plus strand): 5'-GGGAAATGAATAATAAAGCAGGCATAAGTGAATGGTCTAGATTTACCTGAGTGTTTTAGC[T>C]GCGGTGAGAGATCCTGCTGAGACAAACAATCTTGTTCTTCTACTGTTTTCTTAATAGAAT-3'
Protein context (NP_078951.2, residues 56-76): DCLSQQDLSP[Gln66Arg]LKHSEPKNKI